The following is an entry in ClinVar:

NM_001365951.3(KIF1B):c.285C>G (p.Ala95=)

Gene: KIF1B (kinesin family member 1B; plus strand). Cytogenetic location: 1p36.22.
Variant type: single nucleotide variant.
Coding change: c.285C>G on transcript NM_001365951.3 (MANE Select); coding-DNA position 285, C replaced by G.
Protein change: p.Ala95=; no amino-acid change (alanine 95 retained).
Molecular consequence: synonymous variant.
Genome position (GRCh38, 1-based): chr1:10,258,594, C>G. VCF-style: chr1-10258594-C-G. GRCh37 (hg19) VCF-style: chr1-10318652-C-G.
Other names: p.Ala95=; c.285C>G, p.Ala95= (NM_001365952.1, NM_001365953.1, NM_015074.3 and 1 more transcripts).
Identifiers: ClinVar variation 129399 (VCV000129399.36), dbSNP rs12402052, ClinGen allele CA153386.

ClinVar aggregate classification (germline): Benign. Review status: criteria provided, multiple submitters, no conflicts (2 of 4 stars). 15 submissions from 14 submitters: Benign (12). 3 of the submissions do not count toward it. Last evaluated 2026-02-04.

Conditions:
Charcot-Marie-Tooth disease. Also called: Charcot-Marie-Tooth Hereditary Neuropathy; Charcot-Marie-Tooth Neuropathy. Identifiers: Orphanet 166, MedGen C0007959, MONDO:0015626.
Charcot-Marie-Tooth disease type 2. Also called: Charcot-Marie-Tooth type 2. Identifiers: Orphanet 64746, MedGen C0270914, MONDO:0018993.
Neuroblastoma (NB). Identifiers: Orphanet 635, MedGen C0027819, MeSH D009447, MONDO:0005072, HP:0003006.
Charcot-Marie-Tooth disease type 2A1. Also called: HEREDITARY MOTOR AND SENSORY NEUROPATHY IIA1; CHARCOT-MARIE-TOOTH DISEASE, AXONAL, TYPE 2A1; CHARCOT-MARIE-TOOTH DISEASE, AXONAL, AUTOSOMAL DOMINANT, TYPE 2A1; CHARCOT-MARIE-TOOTH DISEASE, NEURONAL, TYPE 2A1; CHARCOT-MARIE-TOOTH NEUROPATHY, TYPE 2A1. Identifiers: Orphanet 99946, MedGen C1861678, MONDO:0007308, OMIM 118210.
Pheochromocytoma. Also called: MAX-Related Hereditary Paraganglioma-Pheochromocytoma Syndrome. Identifiers: Orphanet 29072, MedGen C0031511, MONDO:0008233, OMIM 171300, HP:0002666.

Allele frequency attached by ClinVar (database versions not stated): ESP Exome Variant Server 0.22728; 1000 Genomes Project 0.23003; 1000 Genomes Project 30x 0.23095; TOPMed 0.23481; gnomAD 0.24010.
gnomAD v4.1: 458,354 of 1,613,504 alleles (28%); highest among the groups gnomAD compares: Admixed American, 33%; 67,279 homozygotes.

Submissions (15):

Labcorp Genetics (formerly Invitae), Labcorp
Classification: Benign for Charcot-Marie-Tooth disease type 2. Last evaluated: 2026-02-04. Review status: criteria provided, single submitter. Criteria: Invitae Variant Classification Sherloc (09022015). Collection method: clinical testing. Allele origin: germline.

Blueprint Genetics
Classification: Benign. Last evaluated: 2024-11-26. Review status: criteria provided, single submitter. Criteria: ACMG Guidelines, 2015. Collection method: clinical testing. Allele origin: germline.

Genome-Nilou Lab
Classification: Benign for Charcot-Marie-Tooth disease type 2A1. Last evaluated: 2021-08-19. Review status: criteria provided, single submitter. Criteria: ACMG Guidelines, 2015. Collection method: clinical testing. Allele origin: germline. Affected: no.

Genome-Nilou Lab
Classification: Benign for Pheochromocytoma. Last evaluated: 2021-08-19. Review status: criteria provided, single submitter. Criteria: ACMG Guidelines, 2015. Collection method: clinical testing. Allele origin: germline. Affected: no.

Ambry Genetics
Classification: Benign. Last evaluated: 2020-07-28. Review status: criteria provided, single submitter. Criteria: Ambry Variant Classification Scheme 2023. Collection method: clinical testing. Allele origin: germline.

Illumina Laboratory Services, Illumina
Classification: Benign for Neuroblastoma. Last evaluated: 2018-01-12. Review status: criteria provided, single submitter. Criteria: ICSL Variant Classification Criteria 13 December 2019. Collection method: clinical testing. Allele origin: germline.
Comment: This variant was observed in the ICSL laboratory as part of a predisposition screen in an ostensibly healthy population. It had not been previously curated by ICSL or reported in the Human Gene Mutation Database (HGMD: prior to June 1st, 2018), and was therefore a candidate for classification through an automated scoring system. Utilizing variant allele frequency, disease prevalence and penetrance estimates, and inheritance mode, an automated score was calculated to assess if this variant is too frequent to cause the disease. Based on the score and internal cut-off values, a variant classified as benign is not then subjected to further curation. The score for this variant resulted in a classification of benign for this disease.

Mayo Clinic Laboratories, Mayo Clinic
Classification: Benign. Last evaluated: 2015-08-27. Review status: criteria provided, single submitter. Criteria: ACMG Guidelines, 2015. Collection method: clinical testing. Allele origin: germline. Observed: 458 variant alleles.

GeneDx
Classification: Benign. Last evaluated: 2015-03-03. Review status: criteria provided, single submitter. Criteria: GeneDx Variant Classification Process June 2021. Collection method: clinical testing. Allele origin: germline. Affected: yes.

Laboratory for Molecular Medicine, Mass General Brigham Personalized Medicine
Classification: Benign. Last evaluated: 2013-05-20. Review status: criteria provided, single submitter. Criteria: LMM Criteria. Collection method: clinical testing. Allele origin: germline. Observed: 1 variant allele.
Comment: The Ala95Ala variant in KIF1B: This variant is not expected to have clinical sig nificance because it does not alter an amino acid residue, is not located within the splice consensus sequence, has been identified in 30% (2553/8600) of Europe an American chromosomes and 9% (403/4406) of African American chromosomes by the NHLBI Exome Sequencing Project (dbSNP rs1240 2052).

Breakthrough Genomics
Classification: Benign. Review status: criteria provided, single submitter. Criteria: ACMG Guidelines, 2015. Collection method: not provided. Allele origin: germline. Inheritance: Autosomal dominant inheritance. Affected: yes.

Molecular Genetics Laboratory, London Health Sciences Centre
Classification: Benign for Charcot-Marie-Tooth disease. Review status: criteria provided, single submitter. Criteria: ACMG Guidelines, 2015. Collection method: clinical testing. Allele origin: germline. Affected: yes.

PreventionGenetics, part of Exact Sciences
Classification: Benign. Review status: criteria provided, single submitter. Criteria: ACMG Guidelines, 2015. Collection method: clinical testing. Allele origin: germline.

Clinical Genetics, Academic Medical Center
Classification: Benign. Review status: no assertion criteria provided. Collection method: clinical testing. Allele origin: germline. Affected: yes. Study: VKGL Data-share Consensus. Not counted in ClinVar's aggregate classification.

Diagnostic Laboratory, Department of Genetics, University Medical Center Groningen
Classification: Benign. Review status: no assertion criteria provided. Collection method: clinical testing. Allele origin: germline. Affected: yes. Study: VKGL Data-share Consensus. Not counted in ClinVar's aggregate classification.

Genetic Services Laboratory, University of Chicago
Classification: Likely benign for AllHighlyPenetrant. Review status: no assertion criteria provided. Collection method: clinical testing. Allele origin: germline. Not counted in ClinVar's aggregate classification.
Comment: Likely benign based on allele frequency in 1000 Genomes Project or ESP global frequency and its presence in a patient with a rare or unrelated disease phenotype. NOT Sanger confirmed.